The following is an entry in ClinVar:

ClinVar aggregate classification (germline): Uncertain significance (1 of 4 stars; one submission).

Allele frequency attached by ClinVar (database versions not stated): gnomAD exomes 0.00003; TOPMed 0.00003; ExAC 0.00005; gnomAD 0.00005; ESP Exome Variant Server 0.00015.
gnomAD v4.1: 47 of 1,563,008 alleles (0.003%); highest among the groups gnomAD compares: Middle Eastern, 0.017%; no homozygotes.

Submission:

Labcorp Genetics (formerly Invitae), Labcorp
Classification: Uncertain significance. Last evaluated: 2024-12-19. Review status: criteria provided, single submitter. Criteria: Invitae Variant Classification Sherloc (09022015). Collection method: clinical testing. Allele origin: germline.
Comment: This sequence change replaces arginine, which is basic and polar, with cysteine, which is neutral and slightly polar, at codon 528 of the IL2RB protein (p.Arg528Cys). This variant is present in population databases (rs377234631, gnomAD 0.007%). This variant has not been reported in the literature in individuals affected with IL2RB-related conditions. ClinVar contains an entry for this variant (Variation ID: 1520197). An algorithm developed to predict the effect of missense changes on protein structure and function outputs the following: PolyPhen-2: "Benign". The cysteine amino acid residue is found in multiple mammalian species, which suggests that this missense change does not adversely affect protein function. In summary, the available evidence is currently insufficient to determine the role of this variant in disease. Therefore, it has been classified as a Variant of Uncertain Significance.

NM_000878.5(IL2RB):c.1582C>T (p.Arg528Cys)

Gene: IL2RB (interleukin 2 receptor subunit beta; minus strand). Cytogenetic location: 22q12.3.
Variant type: single nucleotide variant.
Coding change: c.1582C>T on transcript NM_000878.5 (MANE Select); coding-DNA position 1582, C replaced by T.
Protein change: p.Arg528Cys; replaces arginine 528 with cysteine.
Molecular consequence: missense variant.
Genome position (GRCh38, 1-based): chr22:37,128,170, G>A on the plus strand (C>T on the coding strand, the complement: IL2RB is on the minus strand). VCF-style: chr22-37128170-G-A. GRCh37 (hg19) VCF-style: chr22-37524210-G-A.
Other names: c.1582C>T, p.Arg528Cys (NM_001346222.1, NM_001346223.2); short protein forms R528C.
Identifiers: ClinVar variation 1520197 (VCV001520197.6), dbSNP rs377234631, ClinGen allele CA10216302.